The following is an entry in ClinVar:

NC_000008.10:g.(?_38275830)_(38277082_?)del

Gene: FGFR1 (fibroblast growth factor receptor 1; minus strand). Cytogenetic location: 8p11.23.
Variant type: Deletion.
Identifiers: ClinVar variation 3245513 (VCV003245513.1).

ClinVar aggregate classification (germline): Uncertain significance (1 of 4 stars; one submission).

Conditions:
Hypogonadotropic hypogonadism 2 with or without anosmia (HH2). Also called: FGFR1-Related GnRH Deficiency (Kallmann Syndrome 2); HYPOGONADOTROPIC HYPOGONADISM 2 WITHOUT ANOSMIA; HYPOGONADOTROPIC HYPOGONADISM 2 WITH OR WITHOUT ANOSMIA, SUSCEPTIBILITY TO; HYPOGONADOTROPIC HYPOGONADISM 2 WITHOUT ANOSMIA, SUSCEPTIBILITY TO. Identifiers: Orphanet 478, MedGen C1563720, MONDO:0007844, OMIM 147950. Disease mechanism: loss of function.
Pfeiffer syndrome (ACS5). Also called: ACS V. Identifiers: Orphanet 710, MedGen C0220658, MONDO:0007043, OMIM 101600.

Submission:

Labcorp Genetics (formerly Invitae), Labcorp
Classification: Uncertain significance for Pfeiffer syndrome; Hypogonadotropic hypogonadism 2 with or without anosmia. Last evaluated: 2023-03-03. Review status: criteria provided, single submitter. Criteria: Invitae Variant Classification Sherloc (09022015). Collection method: clinical testing. Allele origin: unknown.
Comment: In summary, the available evidence is currently insufficient to determine the role of this variant in disease. Therefore, it has been classified as a Variant of Uncertain Significance. Experimental studies and prediction algorithms are not available or were not evaluated, and the functional significance of this variant is currently unknown. This variant has not been reported in the literature in individuals affected with FGFR1-related conditions. This variant results in the deletion of part of exon 9 and part of exon 10 (c.1253_1346delinsGA) of the FGFR1 gene. This variant would be expected to be in-frame, preserving the integrity of the reading frame.